The following is an entry in ClinVar:

NM_000238.4(KCNH2):c.87C>G (p.Phe29Leu)

Gene: KCNH2 (potassium voltage-gated channel subfamily H member 2; minus strand). Cytogenetic location: 7q36.1.
Variant type: single nucleotide variant.
Coding change: c.87C>G on transcript NM_000238.4 (MANE Select); coding-DNA position 87, C replaced by G.
Protein change: p.Phe29Leu; replaces phenylalanine 29 with leucine.
Molecular consequence: missense variant.
Genome position (GRCh38, 1-based): chr7:150,974,931, G>C on the plus strand (C>G on the coding strand, the complement: KCNH2 is on the minus strand). VCF-style: chr7-150974931-G-C. GRCh37 (hg19) VCF-style: chr7-150672019-G-C.
Other names: c.-91C>G (NM_001406755.1); c.87C>G, p.Phe29Leu (NM_172056.3); short protein forms F29L.
Identifiers: ClinVar variation 1764714 (VCV001764714.2), dbSNP rs199472830, ClinGen allele CA369866018.
Genomic context (GRCh38, chr7:150,974,931, plus strand): 5'-GCAGAAGCCGTCGTTGCAGTAGATGACGGCGCAGTTCTCCACCCGAGCGTTGGCGATGAT[G>C]AACTTACGGCCTAGGGGGGCGGGGAGGAGAGTGCGCGTGAGCGGGGACCCCAGCCTCCGG-3'
Protein context (NP_000229.1, residues 19-39): IRKFEGQSRK[Phe29Leu]IIANARVENC

ClinVar aggregate classification (germline): Likely pathogenic (1 of 4 stars; one submission).

Conditions:
Cardiovascular phenotype. Identifiers: MedGen CN230736.

Submission:

Ambry Genetics
Classification: Likely pathogenic for Cardiovascular phenotype. Last evaluated: 2021-06-10. Review status: criteria provided, single submitter. Criteria: Ambry Variant Classification Scheme 2023. Collection method: clinical testing. Allele origin: germline.
Comment: The p.F29L variant (also known as c.87C>G), located in coding exon 2 of the KCNH2 gene, results from a C to G substitution at nucleotide position 87. The phenylalanine at codon 29 is replaced by leucine, an amino acid with highly similar properties. A different alteration located at the same position, c.87C>A, resulting in the same protein change, has been reported in several long QT syndrome cohorts and sudden unexplained death cohorts (Splawski I et al. Circulation, 2000 Sep;102:1178-85; Tester DJ et al. Heart Rhythm, 2005 May;2:507-17; Winkel BG et al. J Cardiovasc Electrophysiol, 2012 Oct;23:1092-8; Christiansen M et al. BMC Med Genet, 2014 Mar;15:31; Izumi G et al. Pediatr Cardiol, 2016 Jun;37:962-70). Additionally, several in vitro assays have shown that this alteration affects protein function (Chen J et al. J Biol Chem, 1999 Apr;274:10113-8; Gianulis EC et al. J Biol Chem, 2011 Jun;286:22160-9; Harley CA et al. PLoS One, 2012 Mar;7:e32654; Ke Y et al. Biochem J, 2013 Aug;454:69-77; Ng CA et al. Heart Rhythm, 2020 03;17:492-500). This variant is considered to be rare based on population cohorts in the Genome Aggregation Database (gnomAD). In addition, this alteration is predicted to be deleterious by BayesDel in silico analysis. Based on the majority of available evidence to date, this variant is likely to be pathogenic.

Literature cited by the submitters: PubMed 22396785; PubMed 22882672; PubMed 23721480; PubMed 24606995; PubMed 26403377; PubMed 27041096; PubMed 31557540.